The following is an entry in ClinVar:

ClinVar aggregate classification (germline): Uncertain significance (1 of 4 stars; one submission).

Allele frequency attached by ClinVar (database versions not stated): gnomAD 0.00001; TOPMed 0.00001; ESP Exome Variant Server 0.00008.

Submission:

Labcorp Genetics (formerly Invitae), Labcorp
Classification: Uncertain significance. Last evaluated: 2020-02-22. Review status: criteria provided, single submitter. Criteria: Invitae Variant Classification Sherloc (09022015). Collection method: clinical testing. Allele origin: germline.
Comment: Algorithms developed to predict the effect of missense changes on protein structure and function are either unavailable or do not agree on the potential impact of this missense change (SIFT: "Deleterious"; PolyPhen-2: "Benign"; Align-GVGD: "Class C0"). In summary, the available evidence is currently insufficient to determine the role of this variant in disease. Therefore, it has been classified as a Variant of Uncertain Significance. This sequence change replaces leucine with proline at codon 418 of the PITPNM3 protein (p.Leu418Pro). The leucine residue is moderately conserved and there is a moderate physicochemical difference between leucine and proline. This variant is not present in population databases (ExAC no frequency). This variant has not been reported in the literature in individuals with PITPNM3-related conditions.

NM_031220.4(PITPNM3):c.1253T>C (p.Leu418Pro)

Gene: PITPNM3 (PITPNM family member 3; minus strand). Cytogenetic location: 17p13.2.
Variant type: single nucleotide variant.
Coding change: c.1253T>C on transcript NM_031220.4 (MANE Select); coding-DNA position 1253, T replaced by C.
Protein change: p.Leu418Pro; replaces leucine 418 with proline.
Molecular consequence: missense variant.
Genome position (GRCh38, 1-based): chr17:6,474,437, A>G on the plus strand (T>C on the coding strand, the complement: PITPNM3 is on the minus strand). VCF-style: chr17-6474437-A-G. GRCh37 (hg19) VCF-style: chr17-6377757-A-G.
Other names: c.1145T>C, p.Leu382Pro (NM_001165966.2); short protein forms L382P, L418P.
Identifiers: ClinVar variation 1007819 (VCV001007819.9), dbSNP rs141004305, ClinGen allele CA287318053.